The following is an entry in ClinVar:

NM_015001.3(SPEN):c.4071C>T (p.Asn1357=)

Gene: SPEN (spen family transcriptional repressor; plus strand). Cytogenetic location: 1p36.13.
Variant type: single nucleotide variant.
Coding change: c.4071C>T on transcript NM_015001.3 (MANE Select); coding-DNA position 4071, C replaced by T.
Protein change: p.Asn1357=; no amino-acid change (asparagine 1357 retained).
Molecular consequence: synonymous variant.
Genome position (GRCh38, 1-based): chr1:15,930,311, C>T. VCF-style: chr1-15930311-C-T. GRCh37 (hg19) VCF-style: chr1-16256806-C-T.
Identifiers: ClinVar variation 2638316 (VCV002638316.24), dbSNP rs375255358, ClinGen allele CA416380419.

ClinVar aggregate classification (germline): Likely benign (1 of 4 stars; one submission).

Submission:

CeGaT Center for Human Genetics Tuebingen
Classification: Likely benign. Last evaluated: 2023-03-01. Review status: criteria provided, single submitter. Criteria: CeGaT Center For Human Genetics Tuebingen Variant Classification Criteria Version 2. Collection method: clinical testing. Allele origin: germline. Affected: yes. Observed: 1 variant allele.
Comment: SPEN: PM2:Supporting, BP4, BP7